The following is an entry in ClinVar:

ClinVar aggregate classification (germline): Conflicting classifications of pathogenicity. Review status: criteria provided, conflicting classifications (1 of 4 stars). 2 submissions from 2 submitters: Pathogenic (1); Uncertain significance (1). Last evaluated 2023-08-30.

Allele frequency attached by ClinVar (database versions not stated): TOPMed below 0.00001; gnomAD exomes 0.00001.

Submissions (2):

Ambry Genetics
Classification: Uncertain significance. Last evaluated: 2023-08-30. Review status: criteria provided, single submitter. Criteria: Ambry Variant Classification Scheme 2023. Collection method: clinical testing. Allele origin: germline.
Comment: The c.1738delC variant, located in coding exon 12 of the RINT1 gene, results from a deletion of one nucleotide at nucleotide position 1738, causing a translational frameshift with a predicted alternate stop codon (p.Q580Sfs*2). The evidence for this gene-disease relationship is limited; therefore, the clinical significance of this alteration is unclear.

Labcorp Genetics (formerly Invitae), Labcorp
Classification: Pathogenic. Last evaluated: 2022-09-19. Review status: criteria provided, single submitter. Criteria: Invitae Variant Classification Sherloc (09022015). Collection method: clinical testing. Allele origin: germline.
Comment: For these reasons, this variant has been classified as Pathogenic. ClinVar contains an entry for this variant (Variation ID: 1347365). This variant has not been reported in the literature in individuals affected with RINT1-related conditions. This variant is not present in population databases (gnomAD no frequency). This sequence change creates a premature translational stop signal (p.Gln580Serfs*2) in the RINT1 gene. It is expected to result in an absent or disrupted protein product. Loss-of-function variants in RINT1 are known to be pathogenic (PMID: 31204009).

Literature cited by the submitters: PubMed 31204009 (cited by Labcorp Genetics (formerly Invitae), Labcorp).

NM_021930.6(RINT1):c.1738del (p.Gln580fs)

Gene: RINT1 (RAD50 interactor 1; plus strand). Cytogenetic location: 7q22.3.
Variant type: Deletion.
Coding change: c.1738del on transcript NM_021930.6 (MANE Select); coding-DNA position 1738, one base deleted (C; older notation c.1738delC).
Protein change: p.Gln580fs; shifts the reading frame from glutamine 580.
Molecular consequence: frameshift variant. On other transcripts: non-coding transcript variant (1).
Genome position (GRCh38, 1-based): chr7:105,563,799, C deleted. VCF-style (leftmost placement, unchanged base first): chr7-105563798-GC-G. GRCh37 (hg19) VCF-style: chr7-105204245-GC-G.
Other names: c.1738delC (NM_021930.4); c.1504del, p.Gln502fs (NM_001346599.2); c.715del, p.Gln239fs (NM_001346600.2, NM_001346603.2); c.814del, p.Gln272fs (NM_001346601.2); short protein forms Q580fs, Q239fs, Q272fs, Q502fs.
Identifiers: ClinVar variation 1347365 (VCV001347365.7), dbSNP rs1791557727, ClinGen allele CA1731751301.